The following is an entry in ClinVar:

NM_014780.5(CUL7):c.1202G>A (p.Arg401Gln)

Gene: CUL7 (cullin 7; minus strand). Cytogenetic location: 6p21.1.
Variant type: single nucleotide variant.
Coding change: c.1202G>A on transcript NM_014780.5 (MANE Select); coding-DNA position 1202, G replaced by A.
Protein change: p.Arg401Gln; replaces arginine 401 with glutamine.
Molecular consequence: missense variant.
Genome position (GRCh38, 1-based): chr6:43,050,999, C>T on the plus strand (G>A on the coding strand, the complement: CUL7 is on the minus strand). VCF-style: chr6-43050999-C-T. GRCh37 (hg19) VCF-style: chr6-43018737-C-T.
Other names: c.1298G>A, p.Arg433Gln (NM_001168370.2, NM_001374872.1); c.1202G>A, p.Arg401Gln (NM_001374873.1, NM_001374874.1); short protein forms R401Q, R433Q.
Identifiers: ClinVar variation 356851 (VCV000356851.17), dbSNP rs73733791, ClinGen allele CA3814206.

ClinVar aggregate classification (germline): Benign/Likely benign. Review status: criteria provided, multiple submitters, no conflicts (2 of 4 stars). 4 submissions from 4 submitters: Benign (3); Likely benign (1). Last evaluated 2026-05-11.

Conditions:
3M syndrome 1. Also called: 3-M Syndrome, CUL7-Related. Identifiers: Orphanet 2616, MedGen C2678312, MONDO:0010117, OMIM 273750.

Allele frequency attached by ClinVar (database versions not stated): gnomAD 0.01315 and 0.01429; TOPMed 0.01480; gnomAD exomes 0.00333; ESP Exome Variant Server 0.01453; 1000 Genomes Project 30x 0.01109; ExAC 0.00410; 1000 Genomes Project 0.01138.
gnomAD v4.1: 3,821 of 1,614,124 alleles (0.24%); highest among the groups gnomAD compares: African/African-American, 4.4%; 85 homozygotes.

Submissions (4):

Women's Health and Genetics/Laboratory Corporation of America, LabCorp
Classification: Likely benign. Last evaluated: 2026-05-11. Review status: criteria provided, single submitter. Criteria: LabCorp Variant Classification Summary - May 2015. Collection method: clinical testing. Allele origin: germline.

Labcorp Genetics (formerly Invitae), Labcorp
Classification: Benign. Last evaluated: 2026-01-28. Review status: criteria provided, single submitter. Criteria: Invitae Variant Classification Sherloc (09022015). Collection method: clinical testing. Allele origin: germline.

Illumina Laboratory Services, Illumina
Classification: Benign for 3M syndrome 1. Last evaluated: 2018-01-12. Review status: criteria provided, single submitter. Criteria: ICSL Variant Classification Criteria 13 December 2019. Collection method: clinical testing. Allele origin: germline.
Comment: This variant was observed in the ICSL laboratory as part of a predisposition screen in an ostensibly healthy population. It had not been previously curated by ICSL or reported in the Human Gene Mutation Database (HGMD: prior to June 1st, 2018), and was therefore a candidate for classification through an automated scoring system. Utilizing variant allele frequency, disease prevalence and penetrance estimates, and inheritance mode, an automated score was calculated to assess if this variant is too frequent to cause the disease. Based on the score and internal cut-off values, a variant classified as benign is not then subjected to further curation. The score for this variant resulted in a classification of benign for this disease.

Center for Pediatric Genomic Medicine, Children's Mercy Hospital and Clinics
Classification: Benign. Last evaluated: 2017-02-23. Review status: criteria provided, single submitter. Criteria: ACMG Guidelines, 2015. Collection method: clinical testing. Allele origin: germline.